The following is an entry in ClinVar:

ClinVar aggregate classification (germline): Uncertain significance (1 of 4 stars; one submission).

Conditions:
Cardiovascular phenotype. Identifiers: MedGen CN230736.

Submission:

Ambry Genetics
Classification: Uncertain significance for Cardiovascular phenotype. Last evaluated: 2022-03-03. Review status: criteria provided, single submitter. Criteria: Ambry Variant Classification Scheme 2023. Collection method: clinical testing. Allele origin: germline.
Comment: The p.V2566M variant (also known as c.7696G>A), located in coding exon 21 of the TNXB gene, results from a G to A substitution at nucleotide position 7696. The valine at codon 2566 is replaced by methionine, an amino acid with highly similar properties. This amino acid position is conserved. In addition, this alteration is predicted to be tolerated by in silico analysis. Since supporting evidence is limited at this time, the clinical significance of this alteration remains unclear.

NM_001365276.2(TNXB):c.7696G>A (p.Val2566Met)

Gene: TNXB (tenascin XB; minus strand). Cytogenetic location: 6p21.33.
Variant type: single nucleotide variant.
Coding change: c.7696G>A on transcript NM_001365276.2 (MANE Select); coding-DNA position 7696, G replaced by A.
Protein change: p.Val2566Met; replaces valine 2566 with methionine.
Molecular consequence: missense variant.
Genome position (GRCh38, 1-based): chr6:32,058,187, C>T on the plus strand (G>A on the coding strand, the complement: TNXB is on the minus strand). VCF-style: chr6-32058187-C-T. GRCh37 (hg19) VCF-style: chr6-32025964-C-T.
Other names: c.7696G>A, p.Val2566Met (NM_019105.8); short protein forms V2566M.
Identifiers: ClinVar variation 1760167 (VCV001760167.2), dbSNP rs1777789702, ClinGen allele CA363551230.